The following is an entry in ClinVar:

NM_002437.5(MPV17):c.70+1G>A

Gene: MPV17 (mitochondrial inner membrane protein MPV17; minus strand). Cytogenetic location: 2p23.3.
Variant type: single nucleotide variant.
Coding change: c.70+1G>A on transcript NM_002437.5 (MANE Select); the canonical splice donor site of the intron after coding-DNA position 70, G replaced by A.
Molecular consequence: splice donor variant.
Genome position (GRCh38, 1-based): chr2:27,322,447, C>T on the plus strand (G>A on the coding strand, the complement: MPV17 is on the minus strand). VCF-style: chr2-27322447-C-T. GRCh37 (hg19) VCF-style: chr2-27545314-C-T.
Other names: c.70+1G>A (NM_002437.4).
Identifiers: ClinVar variation 2743813 (VCV002743813.5), dbSNP rs771182936, ClinGen allele CA44472932.

ClinVar aggregate classification (germline): Pathogenic/Likely pathogenic. Review status: criteria provided, multiple submitters, no conflicts (2 of 4 stars). 3 submissions from 3 submitters: Pathogenic (1); Likely pathogenic (2). Last evaluated 2026-02-22.

Conditions:
Mitochondrial DNA depletion syndrome, hepatocerebral form. Identifiers: Orphanet 254871, MedGen C3711385, MONDO:0100512.
Mitochondrial DNA depletion syndrome 6 (hepatocerebral type). Also called: Navajo neurohepatopathy; Mitochondrial DNA depletion syndrome type 6; NAVAJO NEUROPATHY. Identifiers: Orphanet 255229, MedGen C1850406, MONDO:0009747, OMIM 256810.

gnomAD v4.1: 4 of 1,613,938 alleles (0.00025%); no homozygotes.

Submissions (3):

Department of Molecular Genetics, Istishari Arab Hospital
Classification: Pathogenic for Mitochondrial DNA depletion syndrome 6 (hepatocerebral type). Last evaluated: 2026-02-22. Review status: criteria provided, single submitter. Criteria: ACMG Guidelines, 2015. Collection method: clinical testing. Allele origin: germline. Inheritance: Autosomal recessive inheritance. Affected: yes.
Comment: The MPV17 variant c.70+1G>A is predicted to disrupt the highly conserved donor splice site. The variant is observed at an extremely low frequency in the gnomAD v4.1.0 dataset (total allele frequency: <0.001%). RNA (cDNA) analysis previously performed in a homozygous individual from another family demonstrated that this variant results in the loss of exon 2 and deletion of 13bp from exon 3. In-house, this variant was previously reported as disease-causing in the homozygous state in two patients with mitochondrial DNA depletion syndrome type 6. It is classified as pathogenic according to the recommendations of ACMG/AMP/ClinGen SVI guidelines.

Natera, Inc.
Classification: Likely pathogenic for Mitochondrial DNA depletion syndrome, hepatocerebral form. Last evaluated: 2025-11-21. Review status: criteria provided, single submitter. Criteria: Natera Variant Classification Schema (03/2026). Collection method: clinical testing. Allele origin: germline.
Comment: The c.70+1G>A variant in MPV17 is a canonical splice donor site variant predicted to affect pre-mRNA splicing, which may result in an abnormal transcript and altered protein product. This variant is expected to result in nonsense mediated decay, truncation, or a dysfunctional protein product. This variant is rare in the general population with a frequency below the threshold expected for the associated phenotype(s). Given the available evidence, this variant is classified as Likely Pathogenic.

Labcorp Genetics (formerly Invitae), Labcorp
Classification: Likely pathogenic. Last evaluated: 2025-11-18. Review status: criteria provided, single submitter. Criteria: Invitae Variant Classification Sherloc (09022015). Collection method: clinical testing. Allele origin: germline.
Comment: This sequence change affects a donor splice site in intron 2 of the MPV17 gene. It is expected to disrupt RNA splicing. Variants that disrupt the donor or acceptor splice site typically lead to a loss of protein function (PMID: 16199547), and loss-of-function variants in MPV17 are known to be pathogenic (PMID: 23714749). This variant is not present in population databases (gnomAD no frequency). This variant has not been reported in the literature in individuals affected with MPV17-related conditions. ClinVar contains an entry for this variant (Variation ID: 2743813). Algorithms developed to predict the effect of sequence changes on RNA splicing suggest that this variant may disrupt the consensus splice site. In summary, the currently available evidence indicates that the variant is pathogenic, but additional data are needed to prove that conclusively. Therefore, this variant has been classified as Likely Pathogenic.

Literature cited by the submitters: PubMed 16199547 (cited by Labcorp Genetics (formerly Invitae), Labcorp); PubMed 23714749 (cited by Labcorp Genetics (formerly Invitae), Labcorp).